The following is an entry in ClinVar:

NM_001243133.2(NLRP3):c.907G>A (p.Asp303Asn)

Gene: NLRP3 (NLR family pyrin domain containing 3; plus strand). Cytogenetic location: 1q44.
Variant type: single nucleotide variant.
Coding change: c.907G>A on transcript NM_001243133.2 (MANE Select); coding-DNA position 907, G replaced by A.
Protein change: p.Asp303Asn; replaces aspartic acid 303 with asparagine.
Molecular consequence: missense variant.
Genome position (GRCh38, 1-based): chr1:247,424,356, G>A. VCF-style: chr1-247424356-G-A. GRCh37 (hg19) VCF-style: chr1-247587658-G-A.
Other names: c.907G>A, p.Asp303Asn (NM_001079821.3, NM_001127461.3, NM_001127462.3 and 1 more transcripts); c.913G>A, p.Asp305Asn (NM_004895.5); short protein forms D303N, D305N.
Identifiers: ClinVar variation 4377 (VCV000004377.22), dbSNP rs121908153, ClinGen allele CA116796.

ClinVar aggregate classification (germline): Pathogenic. Review status: criteria provided, multiple submitters, no conflicts (2 of 4 stars). 9 submissions from 8 submitters: Pathogenic (4). 5 of the submissions do not count toward it. Last evaluated 2026-10-10.

Conditions:
Cryopyrin associated periodic syndrome (CAPS). Identifiers: Orphanet 208650, MedGen C2316212, MONDO:0016168.
Familial amyloid nephropathy with urticaria AND deafness (MWS). Also called: CRYOPYRIN-ASSOCIATED PERIODIC SYNDROME 2; UDA SYNDROME; URTICARIA-DEAFNESS-AMYLOIDOSIS SYNDROME; MUCKLE-WELLS SYNDROME; Urticaria, deafness and amyloidosis. Identifiers: Orphanet 575, MedGen C0268390, MONDO:0008633, OMIM 191900.
Chronic infantile neurological, cutaneous and articular syndrome (CINCA). Also called: CRYOPYRIN-ASSOCIATED PERIODIC SYNDROME 3; CINCA syndrome; CHRONIC NEUROLOGIC CUTANEOUS AND ARTICULAR SYNDROME; Prieur Griscelli syndrome. Identifiers: Orphanet 1451, MedGen C0409818, MONDO:0011776, OMIM 607115.
Familial cold autoinflammatory syndrome 1 (FCAS1). Also called: Familial cold inflammatory syndrome 1; CRYOPYRIN-ASSOCIATED PERIODIC SYNDROME 1. Identifiers: Orphanet 47045, MedGen C4551895, MONDO:0007349, OMIM 120100.

Submissions (9):

GeneDx
Classification: Pathogenic. Last evaluated: 2026-10-10. Review status: criteria provided, single submitter. Criteria: GeneDx Variant Classification Process June 2021. Collection method: clinical testing. Allele origin: germline.
Comment: Published in vivo functional studies demonstrate that the variant alters bone homeostasis and increases inflammasome reaction with progressive arthritis and osteoporosis (PMID: 25477279, 27974218); Not observed at significant frequency in large population cohorts (gnomAD); In silico analysis supports that this missense variant has a deleterious effect on protein structure/function; This variant is associated with the following publications: (PMID: 34416374, 40442269, 29382382, 28512856, 30273710, 29285715, 23650909, 22193915, 27974218, 24773462, 24365011, 20472245, 25766347, 35668534, 33042144, 39052144, 38481988, 19302049, 38321014, 25477279, 11992256)

Labcorp Genetics (formerly Invitae), Labcorp
Classification: Pathogenic for Cryopyrin associated periodic syndrome. Last evaluated: 2025-05-05. Review status: criteria provided, single submitter. Criteria: Invitae Variant Classification Sherloc (09022015). Collection method: clinical testing. Allele origin: germline.
Comment: This sequence change replaces aspartic acid, which is acidic and polar, with asparagine, which is neutral and polar, at codon 305 of the NLRP3 protein (p.Asp305Asn). This variant is not present in population databases (gnomAD no frequency). This missense change has been observed in individual(s) with NLRP3-associated conditions, including Muckle-Wells syndrome and neonatal-onset multisystem inflammatory disease, with evidence of disease co-segregation (PMID: 11992256, 24365011, 24773462, 25766347, 26590045). In at least one individual the variant was observed to be de novo. It has also been observed to segregate with disease in related individuals. This variant is also known as G907A D303N. ClinVar contains an entry for this variant (Variation ID: 4377). Invitae Evidence Modeling of protein sequence and biophysical properties (such as structural, functional, and spatial information, amino acid conservation, physicochemical variation, residue mobility, and thermodynamic stability) indicates that this missense variant is expected to disrupt NLRP3 protein function with a positive predictive value of 80%. Experimental studies have shown that this missense change affects NLRP3 function (PMID: 15020601, 22193915, 24517500). This variant disrupts the p.Asp305 amino acid residue in NLRP3. Other variant(s) that disrupt this residue have been observed in individuals with NLRP3-related conditions (PMID: 14630794, 21702021), which suggests that this may be a clinically significant amino acid residue. For these reasons, this variant has been classified as Pathogenic.

Institute for Clinical Genetics, University Hospital TU Dresden, University Hospital TU Dresden
Classification: Pathogenic. Last evaluated: 2023-04-18. Review status: criteria provided, single submitter. Criteria: ACMG Guidelines, 2015. Collection method: clinical testing. Allele origin: germline.
Comment: PM1, PS3, PP3, PS4, PM2_SUP

ARUP Laboratories, Molecular Genetics and Genomics, ARUP Laboratories
Classification: Pathogenic. Last evaluated: 2017-10-25. Review status: criteria provided, single submitter. Criteria: ARUP Molecular Germline Variant Investigation Process. Collection method: clinical testing. Allele origin: germline.
Comment: The NLRP3 c.913G>A;p.Asp305Asn (also known as Asp303Asn) variant is published in the medical literature in individuals with Muckle-Wells syndrome and neonatal onset multisystem inflammatory disease (NOMID) (Dode 2002, Eungdamrong 2013, Feldmann 2002,Haverkamp 2014). Additionally, a mouse model with this variant recapitulates the disease (Qu 2015). The variant is listed in the ClinVar database (Variation ID: 4377), and in the dbSNP variant database (rs121908153), but is not listed in the general population-based databases (Exome Variant Server, Genome Aggregation Database). The aspartic acid at codon 305 is well conserved across mammals and computational programs (PolyPhen2, SIFT) predict this variant to be deleterious. Taken together, this variant is considered pathogenic. Pathogenic NLRP3 variants are associated with CINCA syndrome (MIM#607115), familial cold-induced inflammatory syndrome (MIM#120100), and Muckle-Wells syndrome (MIM#191900). References: Dode C et al. New mutations of CIAS1 that are responsible for Muckle-Wells syndrome and familial cold urticaria: a novel mutation underlies both syndromes. Am J Hum Genet. 2002 70(6):1498-506. Eungdamrong J et al. Muckle-Wells treatment with anakinra. Dermatol Online J. 2013 19(12):20720. Feldmann J et al. Chronic infantile neurological cutaneous and articular syndrome is caused by mutations in CIAS1, a gene highly expressed in polymorphonuclear cells and chondrocytes. Am J Hum Genet.2002 71(1):198-203. Haverkamp MH et al. Impaired cytokine responses in patients with cryopyrin-associated periodic syndrome (CAPS). Clin Exp Immunol. 2014 177(3):720-31. Qu C et al. NLRP3 mediates osteolysis through inflammation-dependent and -independent mechanisms. FASEB J. 2015 29(4):1269-79.

OMIM
Classification: Pathogenic for CINCA SYNDROME. Last evaluated: 2002-07-01. Review status: no assertion criteria provided. Collection method: literature only. Allele origin: germline. Not counted in ClinVar's aggregate classification.

OMIM
Classification: Pathogenic for MUCKLE-WELLS SYNDROME. Last evaluated: 2002-07-01. Review status: no assertion criteria provided. Collection method: literature only. Allele origin: germline. Not counted in ClinVar's aggregate classification.

Genome Diagnostics Laboratory, University Medical Center Utrecht
Classification: Pathogenic. Review status: no assertion criteria provided. Collection method: clinical testing. Allele origin: germline. Affected: yes. Study: VKGL Data-share Consensus. Not counted in ClinVar's aggregate classification.

Joint Genome Diagnostic Labs from Nijmegen and Maastricht, Radboudumc and MUMC+
Classification: Pathogenic. Review status: no assertion criteria provided. Collection method: clinical testing. Allele origin: germline. Affected: yes. Study: VKGL Data-share Consensus. Not counted in ClinVar's aggregate classification.

Unité médicale des maladies autoinflammatoires, CHRU Montpellier
No classification provided. Condition: Familial cold urticaria. Review status: no classification provided. Collection method: not provided. Allele origin: unknown. Not counted in ClinVar's aggregate classification.
Comment: also involved in OMIM 191900 and 607115

Literature cited by the submitters: PubMed 11992256 (cited by Labcorp Genetics (formerly Invitae), Labcorp and OMIM); PubMed 24365011 (cited by Labcorp Genetics (formerly Invitae), Labcorp); PubMed 24773462 (cited by Labcorp Genetics (formerly Invitae), Labcorp); PubMed 25766347 (cited by Labcorp Genetics (formerly Invitae), Labcorp); PubMed 26590045 (cited by Labcorp Genetics (formerly Invitae), Labcorp); PubMed 15020601 (cited by Labcorp Genetics (formerly Invitae), Labcorp); PubMed 22193915 (cited by Labcorp Genetics (formerly Invitae), Labcorp); PubMed 24517500 (cited by Labcorp Genetics (formerly Invitae), Labcorp); PubMed 14630794 (cited by Labcorp Genetics (formerly Invitae), Labcorp); PubMed 21702021 (cited by Labcorp Genetics (formerly Invitae), Labcorp); PubMed 12032915 (cited by OMIM).